The following is an entry in ClinVar:

ClinVar aggregate classification (germline): Pathogenic (1 of 4 stars; one submission).

Submission:

Labcorp Genetics (formerly Invitae), Labcorp
Classification: Pathogenic. Last evaluated: 2020-03-25. Review status: criteria provided, single submitter. Criteria: Invitae Variant Classification Sherloc (09022015). Collection method: clinical testing. Allele origin: germline.
Comment: For these reasons, this variant has been classified as Pathogenic. Loss-of-function variants in TYMP are known to be pathogenic (PMID: 9924029, 15781193). This variant has not been reported in the literature in individuals with TYMP-related conditions. This variant is not present in population databases (ExAC no frequency). This sequence change creates a premature translational stop signal (p.Glu106Alafs*13) in the TYMP gene. It is expected to result in an absent or disrupted protein product.

Literature cited by the submitters: PubMed 9924029; PubMed 15781193.

NM_001953.5(TYMP):c.317_330del (p.Glu106fs)

Gene: TYMP (thymidine phosphorylase; minus strand). Cytogenetic location: 22q13.33.
Variant type: Deletion.
Coding change: c.317_330del on transcript NM_001953.5 (MANE Select); coding-DNA positions 317 to 330, 14 bases deleted (AGGCCTGGCGCCAG).
Protein change: p.Glu106fs; shifts the reading frame from glutamic acid 106.
Molecular consequence: frameshift variant.
Genome position (GRCh38, 1-based): chr22:50,529,223-50,529,236, CTGGCGCCAGGCCT deleted on the plus strand (AGGCCTGGCGCCAG on the coding strand, the reverse complement: TYMP is on the minus strand); deleting any 14 consecutive bases within chr22:50,529,223-50,529,241 gives the same sequence; the c. name uses the placement nearest the transcript's 3' end. VCF-style (leftmost placement, unchanged base first): chr22-50529222-GCTGGCGCCAGGCCT-G. GRCh37 (hg19) VCF-style: chr22-50967651-GCTGGCGCCAGGCCT-G.
Other names: c.317_330del, p.Glu106fs (NM_001113755.3, NM_001113756.3, NM_001257988.1 and 1 more transcripts); short protein forms E106fs.
Identifiers: ClinVar variation 1073039 (VCV001073039.7), dbSNP rs2148682758, ClinGen allele CA2499226235.